The following is an entry in ClinVar:

ClinVar aggregate classification (germline): Pathogenic (1 of 4 stars; one submission).

Conditions:
Polycystic kidney disease, adult type (PKD1). Also called: POLYCYSTIC KIDNEY DISEASE 1 WITH OR WITHOUT POLYCYSTIC LIVER DISEASE; Polycystic Kidney Disease 1, Autosomal Dominant; Polycystic kidney disease 1; Polycystic kidney disease 1, severe; Polycystic Kidney, Autosomal Dominant; POLYCYSTIC KIDNEY DISEASE, ADULT, TYPE I. Identifiers: MedGen C3149841, MONDO:0008263, OMIM 173900.

Submission:

Cavalleri Lab, Royal College of Surgeons in Ireland
Classification: Pathogenic for Polycystic kidney disease, adult type. Last evaluated: 2020-02-05. Review status: criteria provided, single submitter. Criteria: ACMG Guidelines, 2015. Collection method: research. Allele origin: unknown. Inheritance: Autosomal dominant inheritance. Affected: yes.
Comment: PVS1, PM1,PP4

NM_001009944.3(PKD1):c.12139-2A>C

Gene: PKD1 (polycystin 1, transient receptor potential channel interacting; minus strand). Cytogenetic location: 16p13.3.
Variant type: single nucleotide variant.
Coding change: c.12139-2A>C on transcript NM_001009944.3 (MANE Select); the canonical splice acceptor site of the intron before coding-DNA position 12139, A replaced by C.
Molecular consequence: splice acceptor variant.
Genome position (GRCh38, 1-based): chr16:2,090,592, T>G on the plus strand (A>C on the coding strand, the complement: PKD1 is on the minus strand). VCF-style: chr16-2090592-T-G. GRCh37 (hg19) VCF-style: chr16-2140593-T-G.
Other names: c.12136-2A>C (NM_000296.4).
Identifiers: ClinVar variation 873329 (VCV000873329.1), dbSNP rs2091453268, ClinGen allele CA394326822.